The following is an entry in ClinVar:

ClinVar aggregate classification (germline): Conflicting classifications of pathogenicity. Review status: criteria provided, conflicting classifications (1 of 4 stars). 5 submissions from 5 submitters: Uncertain significance (3); Likely benign (2). Last evaluated 2025-10-09.

Conditions:
CHIME syndrome (CHIME). Also called: COLOBOMA, CONGENITAL HEART DISEASE, ICHTHYOSIFORM DERMATOSIS, IMPAIRED INTELLECTUAL DEVELOPMENT, AND EAR ANOMALIES SYNDROME; GLYCOSYLPHOSPHATIDYLINOSITOL BIOSYNTHESIS DEFECT 5. Identifiers: Orphanet 3474, MedGen C1848392, MONDO:0010221, OMIM 280000.

Allele frequency attached by ClinVar (database versions not stated): ESP Exome Variant Server 0.00008; gnomAD 0.00010; TOPMed 0.00010; ExAC 0.00012; gnomAD exomes 0.00014; 1000 Genomes Project 30x 0.00016; 1000 Genomes Project 0.00020.
gnomAD v4.1: 262 of 1,613,726 alleles (0.016%); highest among the groups gnomAD compares: Middle Eastern, 0.97%; 5 homozygotes.

Submissions (5):

Labcorp Genetics (formerly Invitae), Labcorp
Classification: Likely benign. Last evaluated: 2025-10-09. Review status: criteria provided, single submitter. Criteria: Invitae Variant Classification Sherloc (09022015). Collection method: clinical testing. Allele origin: germline.

CeGaT Center for Human Genetics Tuebingen
Classification: Likely benign. Last evaluated: 2025-06-01. Review status: criteria provided, single submitter. Criteria: CeGaT Center For Human Genetics Tuebingen Variant Classification Criteria Version 2. Collection method: clinical testing. Allele origin: germline. Affected: yes. Observed: 3 variant alleles.
Comment: PIGL: BP4, BP7

Illumina Laboratory Services, Illumina
Classification: Uncertain significance for CHIME syndrome. Last evaluated: 2018-01-13. Review status: criteria provided, single submitter. Criteria: ICSL Variant Classification Criteria 13 December 2019. Collection method: clinical testing. Allele origin: germline.

Genetic Services Laboratory, University of Chicago
Classification: Uncertain significance for CHIME syndrome. Last evaluated: 2013-02-08. Review status: criteria provided, single submitter. Criteria: ACMG Guidelines, 2007. Collection method: clinical testing. Allele origin: germline. Inheritance: Autosomal recessive inheritance.

Breakthrough Genomics
Classification: Uncertain significance. Review status: criteria provided, single submitter. Criteria: ACMG Guidelines, 2015. Collection method: not provided. Allele origin: germline. Inheritance: Autosomal recessive inheritance. Affected: yes.

NM_004278.4(PIGL):c.354A>G (p.Pro118=)

Gene: PIGL (phosphatidylinositol glycan anchor biosynthesis class L; plus strand). Cytogenetic location: 17p11.2.
Variant type: single nucleotide variant.
Coding change: c.354A>G on transcript NM_004278.4 (MANE Select); coding-DNA position 354, A replaced by G.
Protein change: p.Pro118=; no amino-acid change (proline 118 retained).
Molecular consequence: synonymous variant.
Genome position (GRCh38, 1-based): chr17:16,299,906, A>G. VCF-style: chr17-16299906-A-G. GRCh37 (hg19) VCF-style: chr17-16203220-A-G.
Identifiers: ClinVar variation 159704 (VCV000159704.38), dbSNP rs149094276, ClinGen allele CA173156.